The following is an entry in ClinVar:

NM_021614.4(KCNN2):c.312C>T (p.Ser104=)

Gene: KCNN2 (potassium calcium-activated channel subfamily N member 2; plus strand). Cytogenetic location: 5q22.3.
Variant type: single nucleotide variant.
Coding change: c.312C>T on transcript NM_021614.4 (MANE Select); coding-DNA position 312, C replaced by T.
Protein change: p.Ser104=; no amino-acid change (serine 104 retained).
Molecular consequence: synonymous variant. On other transcripts: non-coding transcript variant (1).
Genome position (GRCh38, 1-based): chr5:114,362,451, C>T. VCF-style: chr5-114362451-C-T. GRCh37 (hg19) VCF-style: chr5-113698148-C-T.
Other names: c.510C>T, p.Ser170= (NM_001372233.1).
Identifiers: ClinVar variation 4681385 (VCV004681385.5).
Genomic context (GRCh38, chr5:114,362,451, plus strand): 5'-TAACCTGTCCCTGCTGCTCCGCACCTCCTCGCCCGGCGGCGCCTTCCGGACCCGCACCTC[C>T]TCGCCGCTGTCGGGCTCGTCCTGCTGCTGCTGCTGCTGCTCGTCGCGCCGGGGCAGCCAG-3'
Protein context (NP_067627.3, residues 94-114): SPGGAFRTRT[Ser104=]SPLSGSSCCC

ClinVar aggregate classification (germline): Likely benign (1 of 4 stars; one submission).

gnomAD v4.1: 6 of 399,714 alleles (0.0015%); highest among the groups gnomAD compares: Non-Finnish European, 0.0027%; no homozygotes.

Submission:

CeGaT Center for Human Genetics Tuebingen
Classification: Likely benign. Last evaluated: 2025-12-01. Review status: criteria provided, single submitter. Criteria: CeGaT Center For Human Genetics Tuebingen Variant Classification Criteria Version 2. Collection method: clinical testing. Allele origin: germline. Affected: yes. Observed: 1 variant allele.
Comment: KCNN2: BP4, BP7